The following is an entry in ClinVar:

ClinVar aggregate classification (germline): Uncertain significance. Review status: criteria provided, multiple submitters, no conflicts (2 of 4 stars). 2 submissions from 2 submitters: Uncertain significance (2). Last evaluated 2023-10-06.

Conditions:
COL4A4-related disorder.

Allele frequency attached by ClinVar (database versions not stated): TOPMed 0.00001; gnomAD 0.00003; 1000 Genomes Project 30x 0.00031; 1000 Genomes Project 0.00040.
gnomAD v4.1: 22 of 1,614,078 alleles (0.0014%); highest among the groups gnomAD compares: East Asian, 0.038%; no homozygotes.

Submissions (2):

Labcorp Genetics (formerly Invitae), Labcorp
Classification: Uncertain significance. Last evaluated: 2023-10-06. Review status: criteria provided, single submitter. Criteria: Invitae Variant Classification Sherloc (09022015). Collection method: clinical testing. Allele origin: germline.
Comment: This sequence change replaces alanine, which is neutral and non-polar, with valine, which is neutral and non-polar, at codon 1575 of the COL4A4 protein (p.Ala1575Val). The frequency data for this variant in the population databases is considered unreliable, as metrics indicate poor data quality at this position in the gnomAD database. This variant has not been reported in the literature in individuals affected with COL4A4-related conditions. Advanced modeling of protein sequence and biophysical properties (such as structural, functional, and spatial information, amino acid conservation, physicochemical variation, residue mobility, and thermodynamic stability) performed at Invitae indicates that this missense variant is not expected to disrupt COL4A4 protein function. In summary, the available evidence is currently insufficient to determine the role of this variant in disease. Therefore, it has been classified as a Variant of Uncertain Significance.

PreventionGenetics, part of Exact Sciences
Classification: Uncertain significance for COL4A4-related condition. Last evaluated: 2022-08-29. Review status: criteria provided, single submitter. Criteria: ACMG Guidelines, 2015. Collection method: clinical testing. Allele origin: germline.
Comment: The COL4A4 c.4724C>T variant is predicted to result in the amino acid substitution p.Ala1575Val. To our knowledge, this variant has not been reported in the literature. This variant is reported in 0.011% of alleles in individuals of East Asian descent in gnomAD. At this time, the clinical significance of this variant is uncertain due to the absence of conclusive functional and genetic evidence.

NM_000092.5(COL4A4):c.4724C>T (p.Ala1575Val)

Gene: COL4A4 (collagen type IV alpha 4 chain; minus strand). Cytogenetic location: 2q36.3.
Variant type: single nucleotide variant.
Coding change: c.4724C>T on transcript NM_000092.5 (MANE Select); coding-DNA position 4724, C replaced by T.
Protein change: p.Ala1575Val; replaces alanine 1575 with valine.
Molecular consequence: missense variant.
Genome position (GRCh38, 1-based): chr2:227,008,103, G>A on the plus strand (C>T on the coding strand, the complement: COL4A4 is on the minus strand). VCF-style: chr2-227008103-G-A. GRCh37 (hg19) VCF-style: chr2-227872819-G-A.
Other names: short protein forms A1575V.
Identifiers: ClinVar variation 2629342 (VCV002629342.4), dbSNP rs199760323, ClinGen allele CA2144084.